The following is an entry in ClinVar:

NM_002693.3(POLG):c.2134del (p.Val712fs)

Gene: POLG (DNA polymerase gamma, catalytic subunit; minus strand). Cytogenetic location: 15q26.1.
Variant type: Deletion.
Coding change: c.2134del on transcript NM_002693.3 (MANE Select); coding-DNA position 2134, one base deleted (G; older notation c.2134delG).
Protein change: p.Val712fs; shifts the reading frame from valine 712.
Molecular consequence: frameshift variant.
Genome position (GRCh38, 1-based): chr15:89,323,838, C deleted on the plus strand (G on the coding strand, the reverse complement: POLG is on the minus strand). VCF-style (leftmost placement, unchanged base first): chr15-89323837-AC-A. GRCh37 (hg19) VCF-style: chr15-89867068-AC-A.
Other names: c.2134del, p.Val712fs (NM_001126131.2); short protein forms V712fs.
Identifiers: ClinVar variation 2707445 (VCV002707445.3), dbSNP rs2509232156, ClinGen allele CA2697549347.

ClinVar aggregate classification (germline): Pathogenic (1 of 4 stars; one submission).

Conditions:
Progressive sclerosing poliodystrophy (MTDPS4A). Also called: ALPERS PROGRESSIVE INFANTILE POLIODYSTROPHY; NEURONAL DEGENERATION OF CHILDHOOD WITH LIVER DISEASE, PROGRESSIVE; Mitochondrial DNA depletion syndrome 4A (Alpers type); Mitochondrial DNA Depletion Syndrome 4A; Alpers-Huttenlocher Syndrome (AHS); Alpers Syndrome. Identifiers: Orphanet 726, MedGen C0205710, MONDO:0008758, OMIM 203700.

Submission:

Labcorp Genetics (formerly Invitae), Labcorp
Classification: Pathogenic for Progressive sclerosing poliodystrophy. Last evaluated: 2024-01-06. Review status: criteria provided, single submitter. Criteria: Invitae Variant Classification Sherloc (09022015). Collection method: clinical testing. Allele origin: germline.
Comment: This sequence change creates a premature translational stop signal (p.Val712Cysfs*6) in the POLG gene. It is expected to result in an absent or disrupted protein product. Loss-of-function variants in POLG are known to be pathogenic (PMID: 18546365). This variant is not present in population databases (gnomAD no frequency). This variant has not been reported in the literature in individuals affected with POLG-related conditions. For these reasons, this variant has been classified as Pathogenic.

Literature cited by the submitters: PubMed 18546365.